The following is an entry in ClinVar:

NM_001844.5(COL2A1):c.532-3C>A

Gene: COL2A1 (collagen type II alpha 1 chain; minus strand). Cytogenetic location: 12q13.11.
Variant type: single nucleotide variant.
Coding change: c.532-3C>A on transcript NM_001844.5 (MANE Select); 3 bases into the intron before coding-DNA position 532, C replaced by A.
Molecular consequence: intron variant.
Genome position (GRCh38, 1-based): chr12:47,996,628, G>T on the plus strand (C>A on the coding strand, the complement: COL2A1 is on the minus strand). VCF-style: chr12-47996628-G-T. GRCh37 (hg19) VCF-style: chr12-48390411-G-T.
Other names: c.325-3C>A (NM_033150.3).
Identifiers: ClinVar variation 308934 (VCV000308934.45), dbSNP rs755887776, ClinGen allele CA6535887.

ClinVar aggregate classification (germline): Uncertain significance. Review status: criteria provided, multiple submitters, no conflicts (2 of 4 stars). 5 submissions from 4 submitters: Uncertain significance (5). Last evaluated 2025-04-23.

Conditions:
Stickler syndrome type 1 (STL1). Also called: ARTHROOPHTHALMOPATHY, HEREDITARY PROGRESSIVE; STICKLER SYNDROME, MEMBRANOUS VITREOUS TYPE; STICKLER SYNDROME, VITREOUS TYPE 1; COL2A1-Related Stickler Syndrome. Identifiers: Orphanet 828, Orphanet 90653, MedGen C2020284, MONDO:0007160, OMIM 108300.
Type 2 collagenopathy. Identifiers: Orphanet 93421, MedGen C2931073, MONDO:0022800.

Allele frequency attached by ClinVar (database versions not stated): gnomAD exomes below 0.00001 and 0.00001; TOPMed below 0.00001; ExAC 0.00001.
gnomAD v4.1: 4 of 1,614,092 alleles (0.00025%); highest among the groups gnomAD compares: Non-Finnish European, 0.00034%; no homozygotes.

Submissions (5):

Labcorp Genetics (formerly Invitae), Labcorp
Classification: Uncertain significance. Last evaluated: 2025-04-23. Review status: criteria provided, single submitter. Criteria: Invitae Variant Classification Sherloc (09022015). Collection method: clinical testing. Allele origin: germline.
Comment: This sequence change falls in intron 7 of the COL2A1 gene. It does not directly change the encoded amino acid sequence of the COL2A1 protein. It affects a nucleotide within the consensus splice site. This variant is present in population databases (rs755887776, gnomAD 0.0009%). This variant has not been reported in the literature in individuals affected with COL2A1-related conditions. ClinVar contains an entry for this variant (Variation ID: 308934). Variants that disrupt the consensus splice site are a relatively common cause of aberrant splicing (PMID: 17576681, 9536098). Algorithms developed to predict the effect of sequence changes on RNA splicing suggest that this variant may disrupt the consensus splice site. In summary, the available evidence is currently insufficient to determine the role of this variant in disease. Therefore, it has been classified as a Variant of Uncertain Significance.

CeGaT Center for Human Genetics Tuebingen
Classification: Uncertain significance. Last evaluated: 2021-05-01. Review status: criteria provided, single submitter. Criteria: CeGaT Center For Human Genetics Tuebingen Variant Classification Criteria Version 2. Collection method: clinical testing. Allele origin: germline. Affected: yes. Observed: 1 variant allele.

GeneDx
Classification: Uncertain significance. Last evaluated: 2019-10-30. Review status: criteria provided, single submitter. Criteria: GeneDx Variant Classification Process June 2021. Collection method: clinical testing. Allele origin: germline. Affected: yes.
Comment: Has not been previously published as pathogenic or benign to our knowledge; Not observed at a significant frequency in large population cohorts (Lek et al., 2016); In silico analysis, which includes splice predictors and evolutionary conservation, suggests this variant may impact gene splicing. In the absence of RNA/functional studies, the actual effect of this sequence change is unknown.

Illumina Laboratory Services, Illumina
Classification: Uncertain significance for Type II Collagenopathies. Last evaluated: 2018-01-12. Review status: criteria provided, single submitter. Criteria: ICSL Variant Classification Criteria 13 December 2019. Collection method: clinical testing. Allele origin: germline.

Illumina Laboratory Services, Illumina
Classification: Uncertain significance for Stickler syndrome type 1. Last evaluated: 2018-01-12. Review status: criteria provided, single submitter. Criteria: ICSL Variant Classification Criteria 13 December 2019. Collection method: clinical testing. Allele origin: germline.

Literature cited by the submitters: PubMed 17576681 (cited by Labcorp Genetics (formerly Invitae), Labcorp); PubMed 9536098 (cited by Labcorp Genetics (formerly Invitae), Labcorp).